The following is an entry in ClinVar:

NM_000368.5(TSC1):c.*4788A>C

Gene: TSC1 (TSC complex subunit 1; minus strand). Cytogenetic location: 9q34.13.
Variant type: single nucleotide variant.
Coding change: c.*4788A>C on transcript NM_000368.5 (MANE Select); 4788 bases downstream of the stop codon, A replaced by C.
Molecular consequence: 3 prime UTR variant.
Genome position (GRCh38, 1-based): chr9:132,891,447, T>G on the plus strand (A>C on the coding strand, the complement: TSC1 is on the minus strand). VCF-style: chr9-132891447-T-G. GRCh37 (hg19) VCF-style: chr9-135766834-T-G.
Other names: c.*4788A>C (NM_001162426.2, NM_001162427.2, NM_001362177.2).
Identifiers: ClinVar variation 913083 (VCV000913083.4), dbSNP rs576342925, ClinGen allele CA200921632.
Genomic context (GRCh38, chr9:132,891,447, plus strand): 5'-ACACAAGCAACTGCCTTGACATTTTAGAACATTCTAAGAAGGACAGCAAACTCTTTTGAT[T>G]CCAATTCCCATTCACTAAGATTGTACCATTTTATCCTGCAGTTCATATTTATGGCATCTG-3'

ClinVar aggregate classification (germline): Benign. Review status: criteria provided, single submitter (1 of 4 stars). 2 submissions from 1 submitter: Benign (2). Last evaluated 2018-01-13.

Conditions:
Isolated focal cortical dysplasia type II (FCORD2). Also called: CORTICAL DYSPLASIA OF TAYLOR; Focal cortical dysplasia type II. Identifiers: Orphanet 268994, MedGen C1846385, MONDO:0011818, OMIM 607341, HP:0032051.
Tuberous sclerosis 1 (TSC1). Identifiers: Orphanet 805, MedGen C1854465, MONDO:0008612, OMIM 191100.

Allele frequency attached by ClinVar (database versions not stated): gnomAD 0.00024 and 0.00021; 1000 Genomes Project 30x 0.00047; 1000 Genomes Project 0.00060; TOPMed 0.00017; gnomAD exomes 0.00023.
gnomAD v4.1: 53 of 233,538 alleles (0.023%); highest among the groups gnomAD compares: Admixed American, 0.028%; no homozygotes.

Submissions (2):

Illumina Laboratory Services, Illumina
Classification: Benign for Isolated focal cortical dysplasia type II. Last evaluated: 2018-01-13. Review status: criteria provided, single submitter. Criteria: ICSL Variant Classification Criteria 13 December 2019. Collection method: clinical testing. Allele origin: germline.
Comment: This variant was observed in the ICSL laboratory as part of a predisposition screen in an ostensibly healthy population. It had not been previously curated by ICSL or reported in the Human Gene Mutation Database (HGMD: prior to June 1st, 2018), and was therefore a candidate for classification through an automated scoring system. Utilizing variant allele frequency, disease prevalence and penetrance estimates, and inheritance mode, an automated score was calculated to assess if this variant is too frequent to cause the disease. Based on the score and internal cut-off values, a variant classified as benign is not then subjected to further curation. The score for this variant resulted in a classification of benign for this disease.

Illumina Laboratory Services, Illumina
Classification: Benign for Tuberous sclerosis 1. Last evaluated: 2018-01-13. Review status: criteria provided, single submitter. Criteria: ICSL Variant Classification Criteria 13 December 2019. Collection method: clinical testing. Allele origin: germline.
Comment: the same text as in the submission from Illumina Laboratory Services, Illumina above.